The following is an entry in ClinVar:

NM_194454.3(KRIT1):c.2053T>C (p.Cys685Arg)

Gene: KRIT1 (KRIT1 ankyrin repeat containing; minus strand). Cytogenetic location: 7q21.2.
Variant type: single nucleotide variant.
Coding change: c.2053T>C on transcript NM_194454.3 (MANE Select); coding-DNA position 2053, T replaced by C.
Protein change: p.Cys685Arg; replaces cysteine 685 with arginine.
Molecular consequence: missense variant.
Genome position (GRCh38, 1-based): chr7:92,201,396, A>G on the plus strand (T>C on the coding strand, the complement: KRIT1 is on the minus strand). VCF-style: chr7-92201396-A-G. GRCh37 (hg19) VCF-style: chr7-91830710-A-G.
Other names: c.1909T>C, p.Cys637Arg (NM_001013406.2, NM_001350669.1, NM_001350670.1); c.1339T>C, p.Cys447Arg (NM_001350671.1); c.2053T>C, p.Cys685Arg (NM_001350672.1, NM_001350673.1, NM_001350674.1 and 26 more transcripts); short protein forms C685R, C447R, C637R.
Identifiers: ClinVar variation 452414 (VCV000452414.2), dbSNP rs1051131327, ClinGen allele CA161930172.

ClinVar aggregate classification (germline): Uncertain significance (1 of 4 stars; one submission).

Allele frequency attached by ClinVar (database versions not stated): gnomAD 0.00001; TOPMed 0.00001.
gnomAD v4.1: 12 of 1,582,276 alleles (0.00076%); highest among the groups gnomAD compares: Non-Finnish European, 0.00096%; no homozygotes.

Submission:

GeneDx
Classification: Uncertain significance. Last evaluated: 2017-09-29. Review status: criteria provided, single submitter. Criteria: GeneDx Variant Classification (06012015). Collection method: clinical testing. Allele origin: germline. Affected: yes.
Comment: The C685R variant in the KRIT1 gene has not been reported previously as a pathogenic variant, nor as a benign variant, to our knowledge. The C685R variant is not observed at a significant frequency in large population cohorts (Lek et al., 2016). The C685R variant is a non-conservative amino acid substitution, which is likely to impact secondary protein structure as these residues differ in polarity, charge, size and/or other properties. This substitution occurs at a position that is conserved in mammals. In silico analysis is inconsistent in its predictions as to whether or not the variant is damaging to the protein structure/function. We interpret C685R as a variant of uncertain significance.